The following is an entry in ClinVar:

NM_012123.4(MTO1):c.1897C>T (p.His633Tyr)

Gene: MTO1 (mitochondrial tRNA translation optimization 1; plus strand). Cytogenetic location: 6q13.
Variant type: single nucleotide variant.
Coding change: c.1897C>T on transcript NM_012123.4 (MANE Select); coding-DNA position 1897, C replaced by T.
Protein change: p.His633Tyr; replaces histidine 633 with tyrosine.
Molecular consequence: missense variant.
Genome position (GRCh38, 1-based): chr6:73,497,876, C>T. VCF-style: chr6-73497876-C-T. GRCh37 (hg19) VCF-style: chr6-74207599-C-T.
Other names: p.His633Tyr; c.2017C>T, p.His673Tyr (NM_001123226.2); c.1972C>T, p.His658Tyr (NM_133645.3); short protein forms H658Y, H633Y, H673Y.
Identifiers: ClinVar variation 4541182 (VCV004541182.1).

ClinVar aggregate classification (germline): Uncertain significance (1 of 4 stars; one submission).

Submission:

Mayo Clinic Laboratories, Mayo Clinic
Classification: Uncertain significance. Last evaluated: 2025-10-24. Review status: criteria provided, single submitter. Criteria: ACMG Guidelines, 2015. Collection method: clinical testing. Allele origin: germline. Observed: 1 variant allele.
Comment: BP4_moderate, PM2_supporting